The following is an entry in ClinVar:

ClinVar aggregate classification (germline): Uncertain significance (1 of 4 stars; one submission).

gnomAD v4.1: 18 of 1,613,998 alleles (0.0011%); highest among the groups gnomAD compares: Admixed American, 0.03%; no homozygotes.

Submission:

Labcorp Genetics (formerly Invitae), Labcorp
Classification: Uncertain significance. Last evaluated: 2025-07-30. Review status: criteria provided, single submitter. Criteria: Invitae Variant Classification Sherloc (09022015). Collection method: clinical testing. Allele origin: germline.
Comment: This sequence change replaces leucine, which is neutral and non-polar, with phenylalanine, which is neutral and non-polar, at codon 313 of the PPP2R1A protein (p.Leu313Phe). This variant is present in population databases (no rsID available, gnomAD 0.02%). This variant has not been reported in the literature in individuals affected with PPP2R1A-related conditions. Invitae Evidence Modeling of protein sequence and biophysical properties (such as structural, functional, and spatial information, amino acid conservation, physicochemical variation, residue mobility, and thermodynamic stability) indicates that this missense variant is expected to disrupt PPP2R1A protein function with a positive predictive value of 80%. In summary, the available evidence is currently insufficient to determine the role of this variant in disease. Therefore, it has been classified as a Variant of Uncertain Significance.

NM_014225.6(PPP2R1A):c.937C>T (p.Leu313Phe)

Gene: PPP2R1A (protein phosphatase 2 scaffold subunit Aalpha; plus strand). Cytogenetic location: 19q13.41.
Variant type: single nucleotide variant.
Coding change: c.937C>T on transcript NM_014225.6 (MANE Select); coding-DNA position 937, C replaced by T.
Protein change: p.Leu313Phe; replaces leucine 313 with phenylalanine.
Molecular consequence: missense variant. On other transcripts: non-coding transcript variant (1).
Genome position (GRCh38, 1-based): chr19:52,216,018, C>T. VCF-style: chr19-52216018-C-T. GRCh37 (hg19) VCF-style: chr19-52719271-C-T.
Other names: c.400C>T, p.Leu134Phe (NM_001363656.2); short protein forms L134F, L313F.
Identifiers: ClinVar variation 4777187 (VCV004777187.1).